The following is an entry in ClinVar:

ClinVar aggregate classification (germline): Conflicting classifications of pathogenicity. Review status: criteria provided, conflicting classifications (1 of 4 stars). 2 submissions from 2 submitters: Likely pathogenic (1); Uncertain significance (1). Last evaluated 2026-04-28.

Conditions:
Ataxia-telangiectasia syndrome (AT). Also called: LOUIS-BAR SYNDROME; Cerebello-oculocutaneous telangiectasia; Immunodeficiency with ataxia telangiectasia; Ataxia-telangiectasia, complementation group D; AT, COMPLEMENTATION GROUP C; ATAXIA-TELANGIECTASIA, COMPLEMENTATION GROUP A. Identifiers: Orphanet 100, MedGen C0004135, MONDO:0008840, OMIM 208900.
Hereditary cancer-predisposing syndrome. Also called: Neoplastic Syndromes, Hereditary; Tumor predisposition; Hereditary Cancer Syndrome; Hereditary neoplastic syndrome. Identifiers: Orphanet 140162, MedGen C0027672, MeSH D009386, MONDO:0015356.

Submissions (3):

Ambry Genetics
Classification: Uncertain significance for Hereditary cancer-predisposing syndrome. Last evaluated: 2026-04-28. Review status: criteria provided, single submitter. Criteria: Ambry Variant Classification Scheme 2023. Collection method: clinical testing. Allele origin: germline.
Comment: The c.5005+2T>C intronic variant results from a T to C substitution two nucleotides after coding exon 32 in the ATM gene. This nucleotide position is highly conserved in available vertebrate species. In silico splice site analysis predicts that this alteration will weaken the native splice donor site. Alterations that disrupt the canonical splice site are expected to cause aberrant splicing, resulting in an abnormal protein or a transcript that is subject to nonsense-mediated mRNA decay; however, +2T>C alterations are capable of generating wild-type transcripts in some genomic contexts and should be interpreted with caution (Lin JH et al. Hum Mutat. 2019 10;40:1856-1873). Based on the available evidence, the clinical significance of this alteration remains unclear.

Labcorp Genetics (formerly Invitae), Labcorp
Classification: Likely pathogenic for Ataxia-telangiectasia syndrome. Last evaluated: 2024-09-19. Review status: criteria provided, single submitter. Criteria: Invitae Variant Classification Sherloc (09022015). Collection method: clinical testing. Allele origin: germline.
Comment: This sequence change affects a donor splice site in intron 33 of the ATM gene. It is expected to disrupt RNA splicing. Variants that disrupt the donor or acceptor splice site typically lead to a loss of protein function (PMID: 16199547), and loss-of-function variants in ATM are known to be pathogenic (PMID: 23807571, 25614872). This variant is not present in population databases (gnomAD no frequency). This variant has not been reported in the literature in individuals affected with ATM-related conditions. Algorithms developed to predict the effect of sequence changes on RNA splicing suggest that this variant may disrupt the consensus splice site. In summary, the currently available evidence indicates that the variant is pathogenic, but additional data are needed to prove that conclusively. Therefore, this variant has been classified as Likely Pathogenic.

Dr. Peter K. Rogan Lab, Western University
No classification provided (evidence only). Condition: Ovarian serous cystadenocarcinoma. Review status: no classification provided. Collection method: in vitro. Allele origin: not applicable. Functional consequence: retained intron. Not counted in ClinVar's aggregate classification.

Literature cited by the submitters: PubMed 16199547 (cited by Labcorp Genetics (formerly Invitae), Labcorp); PubMed 23807571 (cited by Labcorp Genetics (formerly Invitae), Labcorp); PubMed 25614872 (cited by Labcorp Genetics (formerly Invitae), Labcorp).

NM_000051.4(ATM):c.5005+2T>C

Gene: ATM (ATM serine/threonine kinase; plus strand). Cytogenetic location: 11q22.3.
Variant type: single nucleotide variant.
Coding change: c.5005+2T>C on transcript NM_000051.4 (MANE Select); the canonical splice donor site of the intron after coding-DNA position 5005, T replaced by C.
Molecular consequence: splice donor variant.
Genome position (GRCh38, 1-based): chr11:108,297,384, T>C. VCF-style: chr11-108297384-T-C. GRCh37 (hg19) VCF-style: chr11-108168111-T-C.
Other names: c.5005+2T>C (NM_001351834.2).
Identifiers: ClinVar variation 3450926 (VCV003450926.5).